The following is an entry in ClinVar:

ClinVar aggregate classification (germline): Uncertain significance. Review status: criteria provided, multiple submitters, no conflicts (2 of 4 stars). 2 submissions from 2 submitters: Uncertain significance (2). Last evaluated 2026-04-03.

Allele frequency attached by ClinVar (database versions not stated): gnomAD 0.00005; TOPMed 0.00002; ExAC 0.00008; gnomAD exomes 0.00004.
gnomAD v4.1: 65 of 1,552,268 alleles (0.0042%); highest among the groups gnomAD compares: Non-Finnish European, 0.0054%; no homozygotes.

Submissions (2):

GeneDx
Classification: Uncertain significance. Last evaluated: 2026-04-03. Review status: criteria provided, single submitter. Criteria: GeneDx Variant Classification Process June 2021. Collection method: clinical testing. Allele origin: germline.
Comment: In silico analysis suggests that this missense variant does not alter protein structure/function; Has not been previously published as pathogenic or benign to our knowledge

Labcorp Genetics (formerly Invitae), Labcorp
Classification: Uncertain significance. Last evaluated: 2022-07-05. Review status: criteria provided, single submitter. Criteria: Invitae Variant Classification Sherloc (09022015). Collection method: clinical testing. Allele origin: germline.
Comment: This sequence change replaces arginine, which is basic and polar, with lysine, which is basic and polar, at codon 495 of the ESRRB protein (p.Arg495Lys). This variant is present in population databases (rs775647917, gnomAD 0.009%). This variant has not been reported in the literature in individuals affected with ESRRB-related conditions. Algorithms developed to predict the effect of missense changes on protein structure and function (SIFT, PolyPhen-2, Align-GVGD) all suggest that this variant is likely to be tolerated. In summary, the available evidence is currently insufficient to determine the role of this variant in disease. Therefore, it has been classified as a Variant of Uncertain Significance.

NM_001379180.1(ESRRB):c.*1592G>A

Gene: ESRRB (estrogen related receptor beta; plus strand). Cytogenetic location: 14q24.3.
Variant type: single nucleotide variant.
Coding change: c.*1592G>A on transcript NM_001379180.1 (MANE Select); 1592 bases downstream of the stop codon, G replaced by A.
Molecular consequence: 3 prime UTR variant. On other transcripts: missense variant (1).
Genome position (GRCh38, 1-based): chr14:76,500,050, G>A. VCF-style: chr14-76500050-G-A. GRCh37 (hg19) VCF-style: chr14-76966393-G-A.
Other names: c.*1592G>A (NM_001411038.1); c.1484G>A, p.Arg495Lys (NM_004452.4); c.1484G>A (NM_004452.3); short protein forms R495K.
Identifiers: ClinVar variation 2086130 (VCV002086130.2), dbSNP rs775647917, ClinGen allele CA7281910.